The following is an entry in ClinVar:

NM_212550.5(BLOC1S3):c.198GCCGGA[4] (p.66EP[5])

Gene: BLOC1S3 (biogenesis of lysosomal organelles complex 1 subunit 3; plus strand). Cytogenetic location: 19q13.32.
Variant type: Microsatellite.
Coding change: c.198GCCGGA[4] on transcript NM_212550.5 (MANE Select); four copies in a row of the 6-base unit GCCGGA starting at c.198; the reference has three copies in a row; one copy, 6 bases duplicated.
Protein change: p.66EP[5].
Molecular consequence: inframe insertion.
Genome position (GRCh38, 1-based): chr19:45,179,506-45,179,511, GCCGGA duplicated; duplicating any 6 consecutive bases within chr19:45,179,490-45,179,511 gives the same sequence; the position shown is the placement nearest the transcript's 3' end. VCF-style (leftmost placement, unchanged base first): chr19-45179489-T-TCGGAGC. GRCh37 (hg19) VCF-style: chr19-45682747-T-TCGGAGC.
Identifiers: ClinVar variation 1423079 (VCV001423079.5), dbSNP rs552143332, ClinGen allele CA9510234.
Genomic context (GRCh38, chr19:45,179,489, plus strand): 5'-GGCCCGACGCGCGGCCGCCCCACGGGGCTGCGGGTGGCTGGGGAAGCCGCGGAGACCGAC[T>TCGGAGC]CGGAGCCGGAGCCGGAGCCGGAACCGACGGCCGCGCCGAGGGACCTGCCTCCACTCGTGG-3'

ClinVar aggregate classification (germline): Uncertain significance (1 of 4 stars; one submission).

Submission:

Labcorp Genetics (formerly Invitae), Labcorp
Classification: Uncertain significance. Last evaluated: 2022-07-12. Review status: criteria provided, single submitter. Criteria: Invitae Variant Classification Sherloc (09022015). Collection method: clinical testing. Allele origin: germline.
Comment: This variant, c.210_215dup, results in the insertion of 2 amino acid(s) of the BLOC1S3 protein (p.Glu72_Pro73dup), but otherwise preserves the integrity of the reading frame. This variant is present in population databases (rs552143332, gnomAD 0.02%). This variant has not been reported in the literature in individuals affected with BLOC1S3-related conditions. Experimental studies and prediction algorithms are not available or were not evaluated, and the functional significance of this variant is currently unknown. In summary, the available evidence is currently insufficient to determine the role of this variant in disease. Therefore, it has been classified as a Variant of Uncertain Significance.